The following is an entry in ClinVar:

NM_001349253.2(SCN11A):c.305G>A (p.Arg102His)

Gene: SCN11A (sodium voltage-gated channel alpha subunit 11; minus strand). Cytogenetic location: 3p22.2.
Variant type: single nucleotide variant.
Coding change: c.305G>A on transcript NM_001349253.2 (MANE Select); coding-DNA position 305, G replaced by A.
Protein change: p.Arg102His; replaces arginine 102 with histidine.
Molecular consequence: missense variant.
Genome position (GRCh38, 1-based): chr3:38,946,870, C>T on the plus strand (G>A on the coding strand, the complement: SCN11A is on the minus strand). VCF-style: chr3-38946870-C-T. GRCh37 (hg19) VCF-style: chr3-38988361-C-T.
Other names: c.305G>A, p.Arg102His (NM_014139.3); short protein forms R102H.
Identifiers: ClinVar variation 1374133 (VCV001374133.6), dbSNP rs376933529, ClinGen allele CA2322657.

ClinVar aggregate classification (germline): Uncertain significance (1 of 4 stars; one submission).

Conditions:
Hereditary sensory and autonomic neuropathy type 7. Also called: HSAN VII; Neuropathy, hereditary sensory and autonomic, type VII. Identifiers: Orphanet 391397, MedGen C3809882, MONDO:0014244, OMIM 615548.
Familial episodic pain syndrome with predominantly lower limb involvement. Also called: Episodic pain syndrome, familial, 3. Identifiers: Orphanet 391384, Orphanet 391392, MedGen C3809899, MONDO:0014247, OMIM 615552.

Allele frequency attached by ClinVar (database versions not stated): gnomAD exomes below 0.00001 and 0.00001; TOPMed below 0.00001; ExAC 0.00001; ESP Exome Variant Server 0.00008.
gnomAD v4.1: 12 of 1,613,394 alleles (0.00074%); highest among the groups gnomAD compares: Admixed American, 0.0017%; no homozygotes.

Submission:

Labcorp Genetics (formerly Invitae), Labcorp
Classification: Uncertain significance for Familial episodic pain syndrome with predominantly lower limb involvement; Hereditary sensory and autonomic neuropathy type 7. Last evaluated: 2023-03-07. Review status: criteria provided, single submitter. Criteria: Invitae Variant Classification Sherloc (09022015). Collection method: clinical testing. Allele origin: germline.
Comment: In summary, the available evidence is currently insufficient to determine the role of this variant in disease. Therefore, it has been classified as a Variant of Uncertain Significance. Advanced modeling of protein sequence and biophysical properties (such as structural, functional, and spatial information, amino acid conservation, physicochemical variation, residue mobility, and thermodynamic stability) performed at Invitae indicates that this missense variant is expected to disrupt SCN11A protein function. ClinVar contains an entry for this variant (Variation ID: 1374133). This variant has not been reported in the literature in individuals affected with SCN11A-related conditions. This variant is present in population databases (rs376933529, gnomAD 0.0009%). This sequence change replaces arginine, which is basic and polar, with histidine, which is basic and polar, at codon 102 of the SCN11A protein (p.Arg102His).